The following is an entry in ClinVar:

ClinVar aggregate classification (germline): Pathogenic (1 of 4 stars; one submission).

Conditions:
Kabuki syndrome. Also called: Kabuki make-up syndrome; NIIKAWA-KUROKI SYNDROME. Identifiers: Orphanet 2322, MedGen C0796004, MONDO:0016512.

Submission:

Labcorp Genetics (formerly Invitae), Labcorp
Classification: Pathogenic for Kabuki syndrome. Last evaluated: 2022-06-22. Review status: criteria provided, single submitter. Criteria: Invitae Variant Classification Sherloc (09022015). Collection method: clinical testing. Allele origin: germline.
Comment: Algorithms developed to predict the effect of sequence changes on RNA splicing suggest that this variant may disrupt the consensus splice site. For these reasons, this variant has been classified as Pathogenic. This variant has not been reported in the literature in individuals affected with KMT2D-related conditions. This variant is not present in population databases (gnomAD no frequency). This sequence change creates a premature translational stop signal (p.Gly4459Thrfs*20) in the KMT2D gene. It is expected to result in an absent or disrupted protein product. Loss-of-function variants in KMT2D are known to be pathogenic (PMID: 22126750).

Literature cited by the submitters: PubMed 22126750.

NM_003482.4(KMT2D):c.13375_13397del (p.Gly4459fs)

Gene: KMT2D (lysine methyltransferase 2D; minus strand). Cytogenetic location: 12q13.12.
Variant type: Deletion.
Coding change: c.13375_13397del on transcript NM_003482.4 (MANE Select); coding-DNA positions 13375 to 13397, 23 bases deleted (GGGCATCTGCTCTTGCAGAAGCT).
Protein change: p.Gly4459fs; shifts the reading frame from glycine 4459.
Molecular consequence: frameshift variant.
Genome position (GRCh38, 1-based): chr12:49,031,308-49,031,330, AGCTTCTGCAAGAGCAGATGCCC deleted on the plus strand (GGGCATCTGCTCTTGCAGAAGCT on the coding strand, the reverse complement: KMT2D is on the minus strand); deleting any 23 consecutive bases within chr12:49,031,308-49,031,338 gives the same sequence; the c. name uses the placement nearest the transcript's 3' end. VCF-style (leftmost placement, unchanged base first): chr12-49031307-TAGCTTCTGCAAGAGCAGATGCCC-T. GRCh37 (hg19) VCF-style: chr12-49425090-TAGCTTCTGCAAGAGCAGATGCCC-T.
Other names: short protein forms G4459fs.
Identifiers: ClinVar variation 2009489 (VCV002009489.4), dbSNP rs2120418614, ClinGen allele CA645574481.